The following is an entry in ClinVar:

NM_176787.5(PIGN):c.2353C>T (p.Arg785Cys)

Gene: PIGN (phosphatidylinositol glycan anchor biosynthesis class N; minus strand). Cytogenetic location: 18q21.33.
Variant type: single nucleotide variant.
Coding change: c.2353C>T on transcript NM_176787.5 (MANE Select); coding-DNA position 2353, C replaced by T.
Protein change: p.Arg785Cys; replaces arginine 785 with cysteine.
Molecular consequence: missense variant.
Genome position (GRCh38, 1-based): chr18:62,088,773, G>A on the plus strand (C>T on the coding strand, the complement: PIGN is on the minus strand). VCF-style: chr18-62088773-G-A. GRCh37 (hg19) VCF-style: chr18-59756006-G-A.
Other names: c.2353C>T, p.Arg785Cys (NM_012327.6); short protein forms R785C.
Identifiers: ClinVar variation 1024142 (VCV001024142.6), dbSNP rs780284457, ClinGen allele CA8982007.

ClinVar aggregate classification (germline): Uncertain significance (1 of 4 stars; one submission).

Conditions:
Multiple congenital anomalies-hypotonia-seizures syndrome 1 (MCAHS1). Also called: PIGN-CDG; Congenital disorder of glycosylation due to PIGN deficiency; GLYCOSYLPHOSPHATIDYLINOSITOL BIOSYNTHESIS DEFECT 3. Identifiers: Orphanet 280633, MedGen C3279775, MONDO:0013563, OMIM 614080.

Allele frequency attached by ClinVar (database versions not stated): ExAC below 0.00001; gnomAD 0.00001; gnomAD exomes 0.00001; TOPMed 0.00001.
gnomAD v4.1: 10 of 1,558,628 alleles (0.00064%); highest among the groups gnomAD compares: South Asian, 0.0024%; no homozygotes.

Submission:

Labcorp Genetics (formerly Invitae), Labcorp
Classification: Uncertain significance for Multiple congenital anomalies-hypotonia-seizures syndrome 1. Last evaluated: 2022-06-21. Review status: criteria provided, single submitter. Criteria: Invitae Variant Classification Sherloc (09022015). Collection method: clinical testing. Allele origin: germline.
Comment: This sequence change replaces arginine, which is basic and polar, with cysteine, which is neutral and slightly polar, at codon 785 of the PIGN protein (p.Arg785Cys). The frequency data for this variant in the population databases is considered unreliable, as metrics indicate poor data quality at this position in the gnomAD database. This missense change has been observed in individual(s) with clinical features of PIGN-related congenital disorder of glycosylation (Invitae). ClinVar contains an entry for this variant (Variation ID: 1024142). Algorithms developed to predict the effect of missense changes on protein structure and function (SIFT, PolyPhen-2, Align-GVGD) all suggest that this variant is likely to be disruptive. In summary, the available evidence is currently insufficient to determine the role of this variant in disease. Therefore, it has been classified as a Variant of Uncertain Significance.